The following is an entry in ClinVar:

ClinVar aggregate classification (germline): Likely pathogenic (1 of 4 stars; one submission).

Conditions:
Early-infantile DEE. Also called: Early infantile epileptic encephalopathy with suppression bursts; Early infantile epileptic encephalopathy; Ohtahara syndrome. Identifiers: Orphanet 1934, MedGen C0393706, MONDO:0800491.

Submission:

Labcorp Genetics (formerly Invitae), Labcorp
Classification: Likely pathogenic for Early-infantile DEE. Last evaluated: 2022-08-15. Review status: criteria provided, single submitter. Criteria: Invitae Variant Classification Sherloc (09022015). Collection method: clinical testing. Allele origin: germline.
Comment: This sequence change affects an acceptor splice site in intron 4 of the CACNA2D2 gene. It is expected to disrupt RNA splicing. Variants that disrupt the donor or acceptor splice site typically lead to a loss of protein function (PMID: 16199547), and loss-of-function variants in CACNA2D2 are known to be pathogenic (PMID: 24358150). In summary, the currently available evidence indicates that the variant is pathogenic, but additional data are needed to prove that conclusively. Therefore, this variant has been classified as Likely Pathogenic. Algorithms developed to predict the effect of sequence changes on RNA splicing suggest that this variant may disrupt the consensus splice site. ClinVar contains an entry for this variant (Variation ID: 1476468). This variant has not been reported in the literature in individuals affected with CACNA2D2-related conditions. This variant is not present in population databases (gnomAD no frequency).

Literature cited by the submitters: PubMed 16199547; PubMed 24358150.

NM_006030.4(CACNA2D2):c.466-1G>C

Gene: CACNA2D2 (calcium voltage-gated channel auxiliary subunit alpha2delta 2; minus strand). Cytogenetic location: 3p21.31.
Variant type: single nucleotide variant.
Coding change: c.466-1G>C on transcript NM_006030.4 (MANE Select); the canonical splice acceptor site of the intron before coding-DNA position 466, G replaced by C.
Molecular consequence: splice acceptor variant.
Genome position (GRCh38, 1-based): chr3:50,387,613, C>G on the plus strand (G>C on the coding strand, the complement: CACNA2D2 is on the minus strand). VCF-style: chr3-50387613-C-G. GRCh37 (hg19) VCF-style: chr3-50425044-C-G.
Other names: c.259-1G>C (NM_001291101.1); c.466-1G>C (NM_001005505.3, NM_001410768.1, NM_001174051.3).
Identifiers: ClinVar variation 1476468 (VCV001476468.7), dbSNP rs2106702374, ClinGen allele CA352946525.